The following is an entry in ClinVar:

NM_001267550.2(TTN):c.69182G>A (p.Trp23061Ter)

Genes: TTN (titin; minus strand), TTN-AS1 (TTN antisense RNA 1; plus strand). Cytogenetic location: 2q31.2.
Variant type: single nucleotide variant.
Coding change: c.69182G>A on transcript NM_001267550.2 (MANE Select); coding-DNA position 69182, G replaced by A.
Protein change: p.Trp23061Ter; replaces tryptophan 23061 with a stop codon.
Molecular consequence: nonsense.
Genome position (GRCh38, 1-based): chr2:178,577,153, C>T on the plus strand (G>A on the coding strand, the complement: TTN is on the minus strand). VCF-style: chr2-178577153-C-T. GRCh37 (hg19) VCF-style: chr2-179441880-C-T.
Other names: c.64259G>A, p.Trp21420Ter (NM_001256850.1); c.41987G>A, p.Trp13996Ter (NM_003319.4); c.61478G>A, p.Trp20493Ter (NM_133378.4); c.42362G>A, p.Trp14121Ter (NM_133432.3); c.42563G>A, p.Trp14188Ter (NM_133437.4); short protein forms W13996*, W14121*, W14188*, W20493*, W21420*, W23061*.
Identifiers: ClinVar variation 3775819 (VCV003775819.1).

ClinVar aggregate classification (germline): Likely pathogenic (1 of 4 stars; one submission).

Conditions:
Dilated cardiomyopathy 1G (CMD1G). Identifiers: Orphanet 154, MedGen C1858763, MONDO:0011400, OMIM 604145.

Submission:

3billion
Classification: Likely pathogenic for Dilated cardiomyopathy 1G. Last evaluated: 2024-03-07. Review status: criteria provided, single submitter. Criteria: ACMG Guidelines, 2015. Collection method: clinical testing. Allele origin: germline. Affected: yes.
Comment: The variant is not observed in the gnomAD v2.1.1 dataset. Predicted Consequence/Location: Stop-gained (nonsense): predicted to result in a loss or disruption of normal protein function through nonsense-mediated decay (NMD) or protein truncation. Multiple pathogenic variants are reported downstream of the variant. Therefore, this variant is classified as Likely pathogenic according to the recommendation of ACMG/AMP guideline.